The following is an entry in ClinVar:

NM_006346.4(PIBF1):c.238G>T (p.Asp80Tyr)

Gene: PIBF1 (progesterone immunomodulatory binding factor 1; plus strand). Cytogenetic location: 13q21.33.
Variant type: single nucleotide variant.
Coding change: c.238G>T on transcript NM_006346.4 (MANE Select); coding-DNA position 238, G replaced by T.
Protein change: p.Asp80Tyr; replaces aspartic acid 80 with tyrosine.
Molecular consequence: missense variant. On other transcripts: non-coding transcript variant (2).
Genome position (GRCh38, 1-based): chr13:72,783,707, G>T. VCF-style: chr13-72783707-G-T. GRCh37 (hg19) VCF-style: chr13-73357845-G-T.
Other names: c.238G>T, p.Asp80Tyr (NM_001349655.2); short protein forms D80Y.
Identifiers: ClinVar variation 2192976 (VCV002192976.4), dbSNP rs558321289, ClinGen allele CA7001865.

ClinVar aggregate classification (germline): Uncertain significance (1 of 4 stars; one submission).

Allele frequency attached by ClinVar (database versions not stated): gnomAD 0.00002; TOPMed 0.00002; ExAC 0.00006; 1000 Genomes Project 30x 0.00016; 1000 Genomes Project 0.00020.
gnomAD v4.1: 69 of 1,613,712 alleles (0.0043%); highest among the groups gnomAD compares: South Asian, 0.063%; no homozygotes.

Submission:

Labcorp Genetics (formerly Invitae), Labcorp
Classification: Uncertain significance. Last evaluated: 2025-11-06. Review status: criteria provided, single submitter. Criteria: Invitae Variant Classification Sherloc (09022015). Collection method: clinical testing. Allele origin: germline.
Comment: This sequence change replaces aspartic acid, which is acidic and polar, with tyrosine, which is neutral and polar, at codon 80 of the PIBF1 protein (p.Asp80Tyr). This variant is present in population databases (rs558321289, gnomAD 0.05%). This variant has not been reported in the literature in individuals affected with PIBF1-related conditions. ClinVar contains an entry for this variant (Variation ID: 2192976). Invitae Evidence Modeling of protein sequence and biophysical properties (such as structural, functional, and spatial information, amino acid conservation, physicochemical variation, residue mobility, and thermodynamic stability) has been performed for this missense variant. However, the output from this modeling did not meet the statistical confidence thresholds required to predict the impact of this variant on PIBF1 protein function. In summary, the available evidence is currently insufficient to determine the role of this variant in disease. Therefore, it has been classified as a Variant of Uncertain Significance.